The following is an entry in ClinVar:

NM_005465.7(AKT3):c.1258C>T (p.Pro420Ser)

Gene: AKT3 (AKT serine/threonine kinase 3; minus strand). Cytogenetic location: 1q44.
Variant type: single nucleotide variant.
Coding change: c.1258C>T on transcript NM_005465.7 (MANE Select); coding-DNA position 1258, C replaced by T.
Protein change: p.Pro420Ser; replaces proline 420 with serine.
Molecular consequence: missense variant.
Genome position (GRCh38, 1-based): chr1:243,512,420, G>A on the plus strand (C>T on the coding strand, the complement: AKT3 is on the minus strand). VCF-style: chr1-243512420-G-A. GRCh37 (hg19) VCF-style: chr1-243675722-G-A.
Other names: c.1258C>T, p.Pro420Ser (NM_001206729.2, NM_001370074.1, NM_181690.2); short protein forms P420S.
Identifiers: ClinVar variation 2918378 (VCV002918378.3), dbSNP rs762883936, ClinGen allele CA1483932.

ClinVar aggregate classification (germline): Uncertain significance (1 of 4 stars; one submission).

Conditions:
Megalencephaly-polymicrogyria-polydactyly-hydrocephalus syndrome 2 (MPPH2). Also called: MEGALENCEPHALY-POLYMICROGYRIA-POLYDACTYLY-HYDROCEPHALUS SYNDROME 2, SOMATIC. Identifiers: Orphanet 83473, MedGen C4014738, MONDO:0014407, OMIM 615937.

Allele frequency attached by ClinVar (database versions not stated): ExAC 0.00002; gnomAD exomes 0.00001.
gnomAD v4.1: 9 of 1,540,322 alleles (0.00058%); highest among the groups gnomAD compares: Admixed American, 0.014%; no homozygotes.

Submission:

Labcorp Genetics (formerly Invitae), Labcorp
Classification: Uncertain significance for Megalencephaly-polymicrogyria-polydactyly-hydrocephalus syndrome 2. Last evaluated: 2025-02-13. Review status: criteria provided, single submitter. Criteria: Invitae Variant Classification Sherloc (09022015). Collection method: clinical testing. Allele origin: germline.
Comment: This sequence change replaces proline, which is neutral and non-polar, with serine, which is neutral and polar, at codon 420 of the AKT3 protein (p.Pro420Ser). This variant is present in population databases (rs762883936, gnomAD 0.01%). This variant has not been reported in the literature in individuals affected with AKT3-related conditions. ClinVar contains an entry for this variant (Variation ID: 2918378). Invitae Evidence Modeling of protein sequence and biophysical properties (such as structural, functional, and spatial information, amino acid conservation, physicochemical variation, residue mobility, and thermodynamic stability) indicates that this missense variant is expected to disrupt AKT3 protein function with a positive predictive value of 95%. In summary, the available evidence is currently insufficient to determine the role of this variant in disease. Therefore, it has been classified as a Variant of Uncertain Significance.